The following is an entry in ClinVar:

NM_000136.3(FANCC):c.1013_1015del (p.Lys338del)

Genes: FANCC (FA complementation group C; minus strand), AOPEP (aminopeptidase O (putative); plus strand). Cytogenetic location: 9q22.32.
Variant type: Deletion.
Coding change: c.1013_1015del on transcript NM_000136.3 (MANE Select); coding-DNA positions 1013 to 1015, 3 bases deleted (AGA; older notation c.1013_1015delAGA).
Protein change: p.Lys338del; deletes lysine 338.
Molecular consequence: inframe deletion.
Genome position (GRCh38, 1-based): chr9:95,117,372-95,117,374, TCT deleted on the plus strand (AGA on the coding strand, the reverse complement: FANCC is on the minus strand); deleting any 3 consecutive bases within chr9:95,117,372-95,117,375 gives the same sequence; the c. name uses the placement nearest the transcript's 3' end. VCF-style (leftmost placement, unchanged base first): chr9-95117371-GTCT-G. GRCh37 (hg19) VCF-style: chr9-97879653-GTCT-G.
Other names: c.1013_1015del, p.Lys338del (NM_001243743.2, NM_001243744.2); short protein forms K338del.
Identifiers: ClinVar variation 821984 (VCV000821984.4), dbSNP rs1588070854, ClinGen allele CA915947021.

ClinVar aggregate classification (germline): Uncertain significance (1 of 4 stars; one submission).

Conditions:
Hereditary cancer-predisposing syndrome. Also called: Tumor predisposition; Hereditary Cancer Syndrome; Neoplastic Syndromes, Hereditary; Hereditary neoplastic syndrome. Identifiers: Orphanet 140162, MedGen C0027672, MeSH D009386, MONDO:0015356.

Submission:

Ambry Genetics
Classification: Uncertain significance for Hereditary cancer-predisposing syndrome. Last evaluated: 2019-11-15. Review status: criteria provided, single submitter. Criteria: Ambry Variant Classification Scheme 2023. Collection method: clinical testing. Allele origin: germline.
Comment: The c.1013_1015delAGA variant (also known as p.K338del) is located in coding exon 10 of the FANCC gene. This variant results from an in-frame AGA deletion at nucleotide positions 1013 to 1015. This results in the in-frame deletion of a lysine at codon 338. This amino acid position is well conserved in available vertebrate species. In addition, this alteration is predicted to be deleterious by in silico analysis (Choi Y et al. PLoS ONE. 2012;7:e46688). Since supporting evidence is limited at this time, the clinical significance of this alteration remains unclear.